The following is an entry in ClinVar:

NM_001243133.2(NLRP3):c.2163C>G (p.Ser721Arg)

Gene: NLRP3 (NLR family pyrin domain containing 3; plus strand). Cytogenetic location: 1q44.
Variant type: single nucleotide variant.
Coding change: c.2163C>G on transcript NM_001243133.2 (MANE Select); coding-DNA position 2163, C replaced by G.
Protein change: p.Ser721Arg; replaces serine 721 with arginine.
Molecular consequence: missense variant. On other transcripts: intron variant (2).
Genome position (GRCh38, 1-based): chr1:247,429,597, C>G. VCF-style: chr1-247429597-C-G. GRCh37 (hg19) VCF-style: chr1-247592899-C-G.
Other names: c.2163C>G, p.Ser721Arg (NM_001079821.3, NM_001127461.3); c.2169C>G, p.Ser723Arg (NM_004895.5); c.2150+3998C>G (NM_001127462.3, NM_183395.3); short protein forms S721R, S723R.
Identifiers: ClinVar variation 4800150 (VCV004800150.1).
Genomic context (GRCh38, chr1:247,429,597, plus strand): 5'-TTATTCGAGGCTGATTTCTTTTCTGTCTGTCTTCCTTCTAATTCCTAGATTGGTGAACAG[C>G]CACCTCACTTCCAGTTTTTGCCGGGGCCTCTTTTCAGTTCTGAGCACCAGCCAGAGTCTA-3'
Protein context (NP_001230062.1, residues 711-731): HAACSHGLVN[Ser721Arg]HLTSSFCRGL

ClinVar aggregate classification (germline): Uncertain significance (1 of 4 stars; one submission).

Conditions:
Cryopyrin associated periodic syndrome (CAPS). Identifiers: Orphanet 208650, MedGen C2316212, MONDO:0016168.

Submission:

Labcorp Genetics (formerly Invitae), Labcorp
Classification: Uncertain significance for Cryopyrin associated periodic syndrome. Last evaluated: 2025-09-30. Review status: criteria provided, single submitter. Criteria: Invitae Variant Classification Sherloc (09022015). Collection method: clinical testing. Allele origin: germline.
Comment: This sequence change replaces serine, which is neutral and polar, with arginine, which is basic and polar, at codon 723 of the NLRP3 protein (p.Ser723Arg). This variant is not present in population databases (gnomAD no frequency). This variant has not been reported in the literature in individuals affected with NLRP3-related conditions. Invitae Evidence Modeling of protein sequence and biophysical properties (such as structural, functional, and spatial information, amino acid conservation, physicochemical variation, residue mobility, and thermodynamic stability) indicates that this missense variant is not expected to disrupt NLRP3 protein function with a negative predictive value of 95%. In summary, the available evidence is currently insufficient to determine the role of this variant in disease. Therefore, it has been classified as a Variant of Uncertain Significance.